The following is an entry in ClinVar:

ClinVar aggregate classification (germline): Pathogenic (1 of 4 stars; one submission).

Submission:

GeneDx
Classification: Pathogenic. Last evaluated: 2016-03-10. Review status: criteria provided, single submitter. Criteria: GeneDx Variant Classification (06012015). Collection method: clinical testing. Allele origin: germline. Affected: yes.
Comment: The c.385dupG pathogenic variant in the PRKAR1A gene causes a frameshift starting with codonAlanine 129, changes this amino acid to a Glycine residue and creates a premature Stop codon atposition 5 of the new reading frame, denoted p.Ala129GlyfsX5. This variant is predicted to cause lossof normal protein function either through protein truncation or nonsense-mediated mRNA decay. Thec.385dupG variant was not observed in approximately 6,500 individuals of European and AfricanAmerican ancestry in the NHLBI Exome Sequencing Project, indicating it is not a common benignvariant in these populations. Although this variant has not been previously reported to our knowledge, we interpret it as pathogenic.

NM_002734.5(PRKAR1A):c.385dup (p.Ala129fs)

Gene: PRKAR1A (protein kinase cAMP-dependent type I regulatory subunit alpha; plus strand). Cytogenetic location: 17q24.2.
Variant type: Duplication.
Coding change: c.385dup on transcript NM_002734.5 (MANE Select); coding-DNA position 385, one base duplicated (G; older notation c.385dupG).
Protein change: p.Ala129fs; shifts the reading frame from alanine 129.
Molecular consequence: frameshift variant.
Genome position (GRCh38, 1-based): chr17:68,523,761, G duplicated. VCF-style (leftmost placement, unchanged base first): chr17-68523760-A-AG. GRCh37 (hg19) VCF-style: chr17-66519901-A-AG.
Other names: c.385dup, p.Ala129fs (NM_001276289.2, NM_001276290.1, NM_001278433.2 and 4 more transcripts); short protein forms A129fs.
Identifiers: ClinVar variation 418988 (VCV000418988.2), dbSNP rs1555813434, ClinGen allele CA16620592.